The following is an entry in ClinVar:

ClinVar aggregate classification (germline): Benign/Likely benign. Review status: criteria provided, multiple submitters, no conflicts (2 of 4 stars). 2 submissions from 2 submitters: Benign (1); Likely benign (1). Last evaluated 2024-10-03.

Conditions:
Familial cancer of breast. Also called: hereditary breast carcinoma; Hereditary breast cancer; BREAST CANCER, FAMILIAL. Identifiers: Orphanet 227535, MedGen C0346153, MONDO:0016419, OMIM 114480. Disease mechanism: loss of function.

Submissions (2):

Myriad Genetics, Inc.
Classification: Benign for Familial cancer of breast. Last evaluated: 2024-10-03. Review status: criteria provided, single submitter. Criteria: Myriad Autosomal Dominant, Autosomal Recessive and X-Linked Classification Criteria (2023). Collection method: clinical testing. Allele origin: unknown.
Comment: This variant is considered benign. This variant is a silent/synonymous amino acid change and it is not expected to impact splicing.

Labcorp Genetics (formerly Invitae), Labcorp
Classification: Likely benign for Familial cancer of breast. Last evaluated: 2022-06-01. Review status: criteria provided, single submitter. Criteria: Invitae Variant Classification Sherloc (09022015). Collection method: clinical testing. Allele origin: germline.

NM_007194.4(CHEK2):c.804C>T (p.Leu268=)

Gene: CHEK2 (checkpoint kinase 2; minus strand). Cytogenetic location: 22q12.1.
Variant type: single nucleotide variant.
Coding change: c.804C>T on transcript NM_007194.4 (MANE Select); coding-DNA position 804, C replaced by T.
Protein change: p.Leu268=; no amino-acid change (leucine 268 retained).
Molecular consequence: synonymous variant.
Genome position (GRCh38, 1-based): chr22:28,710,048, G>A on the plus strand (C>T on the coding strand, the complement: CHEK2 is on the minus strand). VCF-style: chr22-28710048-G-A. GRCh37 (hg19) VCF-style: chr22-29106036-G-A.
Other names: c.933C>T, p.Leu311= (NM_001005735.3); c.141C>T, p.Leu47= (NM_001257387.3); c.603C>T, p.Leu201= (NM_001349956.3); c.804C>T, p.Leu268= (NM_145862.3).
Identifiers: ClinVar variation 2001598 (VCV002001598.5), dbSNP rs2145933872, ClinGen allele CA513945141.
Genomic context (GRCh38, chr22:28,710,048, plus strand): 5'-TCATATAATAATACTTACATGATTTAGCTTTTTCAAAATTTCTATTTCTGTTTCAACATT[G>A]AGAGCTGGGTCCTTTGATAAACAGAATAACAGAGTTTATTAGTAATAATAATTGCCAATA-3'
Protein context (NP_009125.1, residues 258-278): IGSAREADPA[Leu268=]NVETEIEILK